The following is an entry in ClinVar:

NM_001282531.3(ADNP):c.1758TCC[1] (p.Pro588del)

Gene: ADNP (activity dependent neuroprotector homeobox; minus strand). Cytogenetic location: 20q13.13.
Variant type: Microsatellite.
Coding change: c.1758TCC[1] on transcript NM_001282531.3 (MANE Select); one copy of the 3-base unit TCC starting at c.1758; the reference has two copies in a row; one copy, 3 bases deleted.
Protein change: p.Pro588del; deletes proline 588.
Molecular consequence: inframe deletion.
Genome position (GRCh38, 1-based): chr20:50,892,951-50,892,953, GGA deleted on the plus strand (TCC on the coding strand, the reverse complement: ADNP is on the minus strand); deleting any 3 consecutive bases within chr20:50,892,951-50,892,956 gives the same sequence; the position shown is the placement nearest the transcript's 3' end. VCF-style (leftmost placement, unchanged base first): chr20-50892950-TGGA-T. GRCh37 (hg19) VCF-style: chr20-49509487-TGGA-T.
Other names: c.1758TCC[1], p.Pro588del (NM_001282532.2, NM_001347511.2, NM_015339.5 and 1 more transcripts); short protein forms P588del.
Identifiers: ClinVar variation 2838249 (VCV002838249.3), dbSNP rs2515583090, ClinGen allele CA2739277213.
Genomic context (GRCh38, chr20:50,892,950, plus strand): 5'-TGAACTTTTTACAGGGATATCTGCCTTTTCCTGAACCTTTGGCTGTGGCTTTGGAGGAAC[TGGA>T]GGATTATTTTGGGCATGGTAAGCAACAGATTCAGCTGGGGCATCCCTCAGATTGTATGTA-3'

ClinVar aggregate classification (germline): Uncertain significance (1 of 4 stars; one submission).

Submission:

Labcorp Genetics (formerly Invitae), Labcorp
Classification: Uncertain significance. Last evaluated: 2025-12-05. Review status: criteria provided, single submitter. Criteria: Invitae Variant Classification Sherloc (09022015). Collection method: clinical testing. Allele origin: germline.
Comment: This variant, c.1761_1763del, results in the deletion of 1 amino acid(s) of the ADNP protein (p.Pro588del), but otherwise preserves the integrity of the reading frame. This variant is not present in population databases (gnomAD no frequency). This variant has not been reported in the literature in individuals affected with ADNP-related conditions. Experimental studies and prediction algorithms are not available or were not evaluated, and the functional significance of this variant is currently unknown. In summary, the available evidence is currently insufficient to determine the role of this variant in disease. Therefore, it has been classified as a Variant of Uncertain Significance.